The following is an entry in ClinVar:

ClinVar aggregate classification (germline): Uncertain significance (1 of 4 stars; one submission).

Conditions:
Cystic fibrosis (CF). Also called: MUCOVISCIDOSIS. Identifiers: Orphanet 586, MedGen C0010674, MONDO:0009061, OMIM 219700. Disease mechanism: loss of function.

Submission:

Ambry Genetics
Classification: Uncertain significance for Cystic fibrosis. Last evaluated: 2025-05-17. Review status: criteria provided, single submitter. Criteria: Ambry Variant Classification Scheme 2023. Collection method: clinical testing. Allele origin: germline.
Comment: The p.I70M variant (also known as c.210T>G), located in coding exon 3 of the CFTR gene, results from a T to G substitution at nucleotide position 210. The isoleucine at codon 70 is replaced by methionine, an amino acid with highly similar properties. This amino acid position is conserved. In addition, the in silico prediction for this alteration is inconclusive. Based on the available evidence, the clinical significance of this variant remains unclear.

NM_000492.4(CFTR):c.210T>G (p.Ile70Met)

Gene: CFTR (CF transmembrane conductance regulator; plus strand). Cytogenetic location: 7q31.2.
Variant type: single nucleotide variant.
Coding change: c.210T>G on transcript NM_000492.4 (MANE Select); coding-DNA position 210, T replaced by G.
Protein change: p.Ile70Met; replaces isoleucine 70 with methionine.
Molecular consequence: missense variant.
Genome position (GRCh38, 1-based): chr7:117,509,079, T>G. VCF-style: chr7-117509079-T-G. GRCh37 (hg19) VCF-style: chr7-117149133-T-G.
Other names: short protein forms I70M.
Identifiers: ClinVar variation 4001864 (VCV004001864.1).
Genomic context (GRCh38, chr7:117,509,079, plus strand): 5'-TTTATTCTTTTGCAGAGAATGGGATAGAGAGCTGGCTTCAAAGAAAAATCCTAAACTCAT[T>G]AATGCCCTTCGGCGATGTTTTTTCTGGAGATTTATGTTCTATGGAATCTTTTTATATTTA-3'
Protein context (NP_000483.3, residues 60-80): ELASKKNPKL[Ile70Met]NALRRCFFWR